The following is an entry in ClinVar:

ClinVar aggregate classification (germline): Uncertain significance (1 of 4 stars; one submission).

Conditions:
Hereditary cancer-predisposing syndrome. Also called: Hereditary Cancer Syndrome; Tumor predisposition; Hereditary neoplastic syndrome; Neoplastic Syndromes, Hereditary. Identifiers: Orphanet 140162, MedGen C0027672, MeSH D009386, MONDO:0015356.

Submission:

Ambry Genetics
Classification: Uncertain significance for Hereditary cancer-predisposing syndrome. Last evaluated: 2024-11-19. Review status: criteria provided, single submitter. Criteria: Ambry Variant Classification Scheme 2023. Collection method: clinical testing. Allele origin: germline.
Comment: The p.Q232* variant (also known as c.694C>T), located in coding exon 1 of the MET gene, results from a C to T substitution at nucleotide position 694. This changes the amino acid from a glutamine to a stop codon within coding exon 1. This alteration is expected to result in loss of function by premature protein truncation or nonsense-mediated mRNA decay. However, loss of function of MET has not been established as a mechanism of disease. Based on the available evidence, the clinical significance of this variant remains unclear.

NM_000245.4(MET):c.694C>T (p.Gln232Ter)

Gene: MET (MET proto-oncogene, receptor tyrosine kinase; plus strand). Cytogenetic location: 7q31.2.
Variant type: single nucleotide variant.
Coding change: c.694C>T on transcript NM_000245.4 (MANE Select); coding-DNA position 694, C replaced by T.
Protein change: p.Gln232Ter; replaces glutamine 232 with a stop codon.
Molecular consequence: nonsense. On other transcripts: intron variant (1).
Genome position (GRCh38, 1-based): chr7:116,699,778, C>T. VCF-style: chr7-116699778-C-T. GRCh37 (hg19) VCF-style: chr7-116339832-C-T.
Other names: c.694C>T, p.Gln232Ter (NM_001127500.3, NM_001324401.3); c.-91+27201C>T (NM_001324402.2); short protein forms Q232*.
Identifiers: ClinVar variation 3395187 (VCV003395187.1).
Genomic context (GRCh38, chr7:116,699,778, plus strand): 5'-CATTCGATATCAGTGAGAAGGCTAAAGGAAACGAAAGATGGTTTTATGTTTTTGACGGAC[C>T]AGTCCTACATTGATGTTTTACCTGAGTTCAGAGATTCTTACCCCATTAAGTATGTCCATG-3'